The following is an entry in ClinVar:

ClinVar aggregate classification (germline): Uncertain significance (1 of 4 stars; one submission).

Conditions:
Brugada syndrome 8 (BRGDA8). Identifiers: Orphanet 130, MedGen C2751083, MONDO:0013148, OMIM 613123.

Submission:

Labcorp Genetics (formerly Invitae), Labcorp
Classification: Uncertain significance for Brugada syndrome 8. Last evaluated: 2025-06-30. Review status: criteria provided, single submitter. Criteria: Invitae Variant Classification Sherloc (09022015). Collection method: clinical testing. Allele origin: germline.
Comment: This variant, c.1892_1894del, results in the deletion of 1 amino acid(s) of the HCN4 protein (p.Lys631del), but otherwise preserves the integrity of the reading frame. This variant is present in population databases (no rsID available, gnomAD 0.01%). This variant has not been reported in the literature in individuals affected with HCN4-related conditions. Experimental studies and prediction algorithms are not available or were not evaluated, and the functional significance of this variant is currently unknown. In summary, the available evidence is currently insufficient to determine the role of this variant in disease. Therefore, it has been classified as a Variant of Uncertain Significance.

NM_005477.3(HCN4):c.1889AGA[1] (p.Lys631del)

Gene: HCN4 (hyperpolarization activated cyclic nucleotide gated potassium channel 4; minus strand). Cytogenetic location: 15q24.1.
Variant type: Microsatellite.
Coding change: c.1889AGA[1] on transcript NM_005477.3 (MANE Select); one copy of the 3-base unit AGA starting at c.1889; the reference has two copies in a row; one copy, 3 bases deleted.
Protein change: p.Lys631del; deletes lysine 631.
Molecular consequence: inframe deletion.
Genome position (GRCh38, 1-based): chr15:73,325,039-73,325,041, TCT deleted on the plus strand (AGA on the coding strand, the reverse complement: HCN4 is on the minus strand); deleting any 3 consecutive bases within chr15:73,325,039-73,325,045 gives the same sequence; the position shown is the placement nearest the transcript's 3' end. VCF-style (leftmost placement, unchanged base first): chr15-73325038-ATCT-A. GRCh37 (hg19) VCF-style: chr15-73617379-ATCT-A.
Other names: short protein forms K631del.
Identifiers: ClinVar variation 4721754 (VCV004721754.1).